The following is an entry in ClinVar:

ClinVar aggregate classification (germline): Uncertain significance. Review status: criteria provided, multiple submitters, no conflicts (2 of 4 stars). 2 submissions from 2 submitters: Uncertain significance (2). Last evaluated 2025-09-01.

Conditions:
Spastic paraplegia. Identifiers: MedGen C0037772, HP:0001258.

Submissions (2):

CeGaT Center for Human Genetics Tuebingen
Classification: Uncertain significance. Last evaluated: 2025-09-01. Review status: criteria provided, single submitter. Criteria: CeGaT Center For Human Genetics Tuebingen Variant Classification Criteria Version 2. Collection method: clinical testing. Allele origin: germline. Affected: yes. Observed: 1 variant allele.
Comment: KIF5A: PM2

Labcorp Genetics (formerly Invitae), Labcorp
Classification: Uncertain significance for Spastic paraplegia. Last evaluated: 2021-08-05. Review status: criteria provided, single submitter. Criteria: Invitae Variant Classification Sherloc (09022015). Collection method: clinical testing. Allele origin: germline.
Comment: In summary, the available evidence is currently insufficient to determine the role of this variant in disease. Therefore, it has been classified as a Variant of Uncertain Significance. Advanced modeling of protein sequence and biophysical properties (such as structural, functional, and spatial information, amino acid conservation, physicochemical variation, residue mobility, and thermodynamic stability) performed at Invitae indicates that this missense variant is not expected to disrupt KIF5A protein function. This variant has not been reported in the literature in individuals affected with KIF5A-related conditions. This variant is not present in population databases (ExAC no frequency). This sequence change replaces glutamine with arginine at codon 778 of the KIF5A protein (p.Gln778Arg). The glutamine residue is highly conserved and there is a small physicochemical difference between glutamine and arginine.

NM_004984.4(KIF5A):c.2333A>G (p.Gln778Arg)

Gene: KIF5A (kinesin family member 5A; plus strand). Cytogenetic location: 12q13.3.
Variant type: single nucleotide variant.
Coding change: c.2333A>G on transcript NM_004984.4 (MANE Select); coding-DNA position 2333, A replaced by G.
Protein change: p.Gln778Arg; replaces glutamine 778 with arginine.
Molecular consequence: missense variant.
Genome position (GRCh38, 1-based): chr12:57,577,745, A>G. VCF-style: chr12-57577745-A-G. GRCh37 (hg19) VCF-style: chr12-57971528-A-G.
Other names: c.2066A>G, p.Gln689Arg (NM_001354705.2); short protein forms Q689R, Q778R.
Identifiers: ClinVar variation 1372559 (VCV001372559.13), dbSNP rs2140169276, ClinGen allele CA385512594.